The following is an entry in ClinVar:

NM_000321.3(RB1):c.460A>G (p.Lys154Glu)

Gene: RB1 (RB transcriptional corepressor 1; plus strand). Cytogenetic location: 13q14.2.
Variant type: single nucleotide variant.
Coding change: c.460A>G on transcript NM_000321.3 (MANE Select); coding-DNA position 460, A replaced by G.
Protein change: p.Lys154Glu; replaces lysine 154 with glutamic acid.
Molecular consequence: missense variant.
Genome position (GRCh38, 1-based): chr13:48,345,159, A>G. VCF-style: chr13-48345159-A-G. GRCh37 (hg19) VCF-style: chr13-48919295-A-G.
Other names: c.460A>G, p.Lys154Glu (NM_001407165.1, NM_001407166.1); short protein forms K154E.
Identifiers: ClinVar variation 3943366 (VCV003943366.1).
Genomic context (GRCh38, chr13:48,345,159, plus strand): 5'-TTACTAAAAGAAATTGATACCAGTACCAAAGTTGATAATGCTATGTCAAGACTGTTGAAG[A>G]AGTATGATGTATTGTTTGCACTCTTCAGCAAATTGGAAAGGTAAAGTAAACATTTTATTA-3'
Protein context (NP_000312.2, residues 144-164): VDNAMSRLLK[Lys154Glu]YDVLFALFSK

ClinVar aggregate classification (germline): Uncertain significance (1 of 4 stars; one submission).

Conditions:
Hereditary cancer-predisposing syndrome. Also called: Tumor predisposition; Hereditary neoplastic syndrome; Hereditary Cancer Syndrome; Neoplastic Syndromes, Hereditary. Identifiers: Orphanet 140162, MedGen C0027672, MeSH D009386, MONDO:0015356.

gnomAD v4.1: 1 of 1,612,910 alleles (0.000062%); highest among the groups gnomAD compares: Non-Finnish European, 0.000085%; no homozygotes.

Submission:

Ambry Genetics
Classification: Uncertain significance for Hereditary cancer-predisposing syndrome. Last evaluated: 2025-05-24. Review status: criteria provided, single submitter. Criteria: Ambry Variant Classification Scheme 2023. Collection method: clinical testing. Allele origin: germline.
Comment: The p.K154E variant (also known as c.460A>G), located in coding exon 4 of the RB1 gene, results from an A to G substitution at nucleotide position 460. The lysine at codon 154 is replaced by glutamic acid, an amino acid with similar properties. This amino acid position is conserved. In addition, the in silico prediction for this alteration is inconclusive. Based on the available evidence, the clinical significance of this variant remains unclear.